The following is an entry in ClinVar:

NM_175914.5(HNF4A):c.50-4754C>G

Gene: HNF4A (hepatocyte nuclear factor 4 alpha; plus strand). Cytogenetic location: 20q13.12.
Variant type: single nucleotide variant.
Coding change: c.50-4754C>G on transcript NM_175914.5 (MANE Select); 4754 bases into the intron before coding-DNA position 50, C replaced by G.
Molecular consequence: intron variant. On other transcripts: 5 prime UTR variant (4).
Genome position (GRCh38, 1-based): chr20:44,401,304, C>G. VCF-style: chr20-44401304-C-G. GRCh37 (hg19) VCF-style: chr20-43029944-C-G.
Other names: c.-69C>G (NM_000457.6, NM_178849.3, NM_178850.3); c.-181C>G (NM_001258355.2); c.41-4754C>G (NM_001287182.2, NM_001287183.2, NM_001287184.2); c.50-4754C>G (NM_001030003.3, NM_001030004.3).
Identifiers: ClinVar variation 3052590 (VCV003052590.2), dbSNP rs2063403950, ClinGen allele CA1017838831.
Genomic context (GRCh38, chr20:44,401,304, plus strand): 5'-TTCCCAGAGGACGGTTTGAAAGGAAGGCAGAGAGGGCACTGGGAGGAGGCAGTGGGAGGG[C>G]GGAGGGCGGGGGCCTTCGGGGTGGGCGCCCAGGGTAGGGCAGGTGGCCGCGGCGTGGAGG-3'

ClinVar aggregate classification (germline): Likely benign (0 of 4 stars; one submission).

Conditions:
HNF4A-related disorder. Also called: HNF4A-related condition.

Submission:

PreventionGenetics, part of Exact Sciences
Classification: Likely benign for HNF4A-related condition. Last evaluated: 2020-03-10. Review status: no assertion criteria provided. Collection method: clinical testing. Allele origin: germline.
Comment: This variant is classified as likely benign based on ACMG/AMP sequence variant interpretation guidelines (Richards et al. 2015 PMID: 25741868, with internal and published modifications).